The following is an entry in ClinVar:

NM_017635.5(KMT5B):c.1851A>C (p.Gly617=)

Gene: KMT5B (lysine methyltransferase 5B; minus strand). Cytogenetic location: 11q13.2.
Variant type: single nucleotide variant.
Coding change: c.1851A>C on transcript NM_017635.5 (MANE Select); coding-DNA position 1851, A replaced by C.
Protein change: p.Gly617=; no amino-acid change (glycine 617 retained).
Molecular consequence: synonymous variant.
Genome position (GRCh38, 1-based): chr11:68,158,495, T>G on the plus strand (A>C on the coding strand, the complement: KMT5B is on the minus strand). VCF-style: chr11-68158495-T-G. GRCh37 (hg19) VCF-style: chr11-67925962-T-G.
Other names: c.1335A>C, p.Gly445= (NM_001300907.1, NM_001369428.1, NM_001369429.1 and 4 more transcripts); c.1131A>C, p.Gly377= (NM_001300908.2); c.1851A>C, p.Gly617= (NM_001369426.1).
Identifiers: ClinVar variation 2642031 (VCV002642031.24), dbSNP rs778951109, ClinGen allele CA6148102.

ClinVar aggregate classification (germline): Likely benign (1 of 4 stars; one submission).

Allele frequency attached by ClinVar (database versions not stated): TOPMed 0.00001; gnomAD 0.00004; ExAC 0.00017.
gnomAD v4.1: 136 of 1,614,210 alleles (0.0084%); highest among the groups gnomAD compares: South Asian, 0.12%; 2 homozygotes.

Submission:

CeGaT Center for Human Genetics Tuebingen
Classification: Likely benign. Last evaluated: 2024-09-01. Review status: criteria provided, single submitter. Criteria: CeGaT Center For Human Genetics Tuebingen Variant Classification Criteria Version 2. Collection method: clinical testing. Allele origin: germline. Affected: yes. Observed: 2 variant alleles.
Comment: KMT5B: BP4, BP7